The following is an entry in ClinVar:

ClinVar aggregate classification (germline): Uncertain significance (1 of 4 stars; one submission).

Conditions:
Inborn genetic diseases. Identifiers: MedGen C0950123, MeSH D030342.

gnomAD v4.1: 4 of 1,610,844 alleles (0.00025%); highest among the groups gnomAD compares: Non-Finnish European, 0.00034%; no homozygotes.

Submission:

Ambry Genetics
Classification: Uncertain significance for Inborn genetic diseases. Last evaluated: 2025-09-22. Review status: criteria provided, single submitter. Criteria: Ambry Variant Classification Scheme 2023. Collection method: clinical testing. Allele origin: germline.
Comment: The c.2561C>A (p.A854D) alteration is located in exon 18 (coding exon 17) of the POGZ gene. This alteration results from a C to A substitution at nucleotide position 2561, causing the alanine (A) at amino acid position 854 to be replaced by an aspartic acid (D). Based on data from gnomAD, the A allele has an overall frequency of <0.001% (1/250944) total alleles studied. The highest observed frequency was 0.001% (1/113564) of European (non-Finnish) alleles. Based on insufficient or conflicting evidence, the clinical significance of this alteration remains unclear.

NM_015100.4(POGZ):c.2561C>A (p.Ala854Asp)

Gene: POGZ (pogo transposable element derived with ZNF domain; minus strand). Cytogenetic location: 1q21.3.
Variant type: single nucleotide variant.
Coding change: c.2561C>A on transcript NM_015100.4 (MANE Select); coding-DNA position 2561, C replaced by A.
Protein change: p.Ala854Asp; replaces alanine 854 with aspartic acid.
Molecular consequence: missense variant.
Genome position (GRCh38, 1-based): chr1:151,406,616, G>T on the plus strand (C>A on the coding strand, the complement: POGZ is on the minus strand). VCF-style: chr1-151406616-G-T. GRCh37 (hg19) VCF-style: chr1-151379092-G-T.
Other names: c.2534C>A, p.Ala845Asp (NM_001194937.2); c.2375C>A, p.Ala792Asp (NM_001194938.2); c.2582C>A, p.Ala861Asp (NM_001410860.1); c.2276C>A, p.Ala759Asp (NM_145796.4); c.2402C>A, p.Ala801Asp (NM_207171.2); short protein forms A801D, A845D, A854D, A861D, A759D, A792D.
Identifiers: ClinVar variation 4628121 (VCV004628121.1).